The following is an entry in ClinVar:

NM_012309.5(SHANK2):c.2590C>T (p.Arg864Trp)

Gene: SHANK2 (SH3 and multiple ankyrin repeat domains 2; minus strand). Cytogenetic location: 11q13.3.
Variant type: single nucleotide variant.
Coding change: c.2590C>T on transcript NM_012309.5 (MANE Select); coding-DNA position 2590, C replaced by T.
Protein change: p.Arg864Trp; replaces arginine 864 with tryptophan.
Molecular consequence: missense variant.
Genome position (GRCh38, 1-based): chr11:70,487,703, G>A on the plus strand (C>T on the coding strand, the complement: SHANK2 is on the minus strand). VCF-style: chr11-70487703-G-A. GRCh37 (hg19) VCF-style: chr11-70333808-G-A.
Other names: c.1453C>T, p.Arg485Trp (NM_001379226.1); c.826C>T, p.Arg276Trp (NM_133266.5); short protein forms R276W, R485W, R864W.
Identifiers: ClinVar variation 2629084 (VCV002629084.1), dbSNP rs1555154683, ClinGen allele CA381689496.

ClinVar aggregate classification (germline): Uncertain significance (1 of 4 stars; one submission).

Conditions:
SHANK2-related disorder.

Submission:

PreventionGenetics, part of Exact Sciences
Classification: Uncertain significance for SHANK2-related condition. Last evaluated: 2023-08-24. Review status: criteria provided, single submitter. Criteria: ACMG Guidelines, 2015. Collection method: clinical testing. Allele origin: germline.
Comment: The SHANK2 c.2590C>T variant is predicted to result in the amino acid substitution p.Arg864Trp. To our knowledge, this variant has not been reported in the literature or in a large population database, indicating this variant is rare. At this time, the clinical significance of this variant is uncertain due to the absence of conclusive functional and genetic evidence.